The following is an entry in ClinVar:

NM_001267550.2(TTN):c.66766T>C (p.Leu22256=)

Genes: TTN (titin; minus strand), TTN-AS1 (TTN antisense RNA 1; plus strand). Cytogenetic location: 2q31.2.
Variant type: single nucleotide variant.
Coding change: c.66766T>C on transcript NM_001267550.2 (MANE Select); coding-DNA position 66766, T replaced by C.
Protein change: p.Leu22256=; no amino-acid change (leucine 22256 retained).
Molecular consequence: synonymous variant.
Genome position (GRCh38, 1-based): chr2:178,581,502, A>G on the plus strand (T>C on the coding strand, the complement: TTN is on the minus strand). VCF-style: chr2-178581502-A-G. GRCh37 (hg19) VCF-style: chr2-179446229-A-G.
Other names: c.61843T>C, p.Leu20615= (NM_001256850.1); c.39571T>C, p.Leu13191= (NM_003319.4); c.59062T>C, p.Leu19688= (NM_133378.4); c.39946T>C, p.Leu13316= (NM_133432.3); c.40147T>C, p.Leu13383= (NM_133437.4).
Identifiers: ClinVar variation 595987 (VCV000595987.17), dbSNP rs752922922, ClinGen allele CA1991451.

ClinVar aggregate classification (germline): Likely benign. Review status: criteria provided, multiple submitters, no conflicts (2 of 4 stars). 5 submissions from 5 submitters: Likely benign (5). Last evaluated 2026-02-01.

Conditions:
Cardiovascular phenotype. Identifiers: MedGen CN230736.
Autosomal recessive limb-girdle muscular dystrophy type 2J (LGMDR10). Also called: MUSCULAR DYSTROPHY, LIMB-GIRDLE, AUTOSOMAL RECESSIVE 10; Limb-girdle muscular dystrophy, type 2J. Identifiers: Orphanet 140922, MedGen C1837342, MONDO:0012127, OMIM 608807.
Dilated cardiomyopathy 1G (CMD1G). Identifiers: Orphanet 154, MedGen C1858763, MONDO:0011400, OMIM 604145.

Allele frequency attached by ClinVar (database versions not stated): gnomAD 0.00001 and 0.00003; TOPMed 0.00001; gnomAD exomes 0.00006 and 0.00015; ExAC 0.00019.
gnomAD v4.1: 84 of 1,587,166 alleles (0.0053%); highest among the groups gnomAD compares: South Asian, 0.09%; no homozygotes.

Submissions (5):

CeGaT Center for Human Genetics Tuebingen
Classification: Likely benign. Last evaluated: 2026-02-01. Review status: criteria provided, single submitter. Criteria: CeGaT Center For Human Genetics Tuebingen Variant Classification Criteria Version 2. Collection method: clinical testing. Allele origin: germline. Affected: yes. Observed: 1 variant allele.
Comment: TTN: BP4, BP7

Ambry Genetics
Classification: Likely benign for Cardiovascular phenotype. Last evaluated: 2026-01-06. Review status: criteria provided, single submitter. Criteria: Ambry Variant Classification Scheme 2023. Collection method: clinical testing. Allele origin: germline.

Labcorp Genetics (formerly Invitae), Labcorp
Classification: Likely benign for Dilated cardiomyopathy 1G; Autosomal recessive limb-girdle muscular dystrophy type 2J. Last evaluated: 2025-11-09. Review status: criteria provided, single submitter. Criteria: Invitae Variant Classification Sherloc (09022015). Collection method: clinical testing. Allele origin: germline.

Blueprint Genetics
Classification: Likely benign. Last evaluated: 2023-05-08. Review status: criteria provided, single submitter. Criteria: ACMG Guidelines, 2015. Collection method: clinical testing. Allele origin: germline.

Eurofins Ntd Llc (ga)
Classification: Likely benign. Last evaluated: 2018-02-12. Review status: criteria provided, single submitter. Criteria: EGL ClinVar v180209 classification definitions. Collection method: clinical testing. Allele origin: germline. Observed: 1 variant allele, 1 heterozygote.